The following is an entry in ClinVar:

ClinVar aggregate classification (germline): Uncertain significance. Review status: criteria provided, multiple submitters, no conflicts (2 of 4 stars). 2 submissions from 2 submitters: Uncertain significance (2). Last evaluated 2025-08-21.

Allele frequency attached by ClinVar (database versions not stated): gnomAD 0.00003; gnomAD exomes 0.00003; TOPMed 0.00002; ExAC 0.00001.
gnomAD v4.1: 47 of 1,613,808 alleles (0.0029%); highest among the groups gnomAD compares: East Asian, 0.0089%; no homozygotes.

Submissions (2):

Labcorp Genetics (formerly Invitae), Labcorp
Classification: Uncertain significance. Last evaluated: 2025-08-21. Review status: criteria provided, single submitter. Criteria: Invitae Variant Classification Sherloc (09022015). Collection method: clinical testing. Allele origin: germline.
Comment: This sequence change replaces arginine, which is basic and polar, with tryptophan, which is neutral and slightly polar, at codon 738 of the INTU protein (p.Arg738Trp). This variant is present in population databases (rs774939551, gnomAD 0.009%). This variant has not been reported in the literature in individuals affected with INTU-related conditions. ClinVar contains an entry for this variant (Variation ID: 2432857). Invitae Evidence Modeling of protein sequence and biophysical properties (such as structural, functional, and spatial information, amino acid conservation, physicochemical variation, residue mobility, and thermodynamic stability) indicates that this missense variant is not expected to disrupt INTU protein function with a negative predictive value of 80%. In summary, the available evidence is currently insufficient to determine the role of this variant in disease. Therefore, it has been classified as a Variant of Uncertain Significance.

Revvity Omics, Revvity
Classification: Uncertain significance. Last evaluated: 2022-03-29. Review status: criteria provided, single submitter. Criteria: ACMG Guidelines, 2015. Collection method: clinical testing. Allele origin: germline.

NM_015693.4(INTU):c.2212C>T (p.Arg738Trp)

Gene: INTU (inturned planar cell polarity protein; plus strand). Cytogenetic location: 4q28.1.
Variant type: single nucleotide variant.
Coding change: c.2212C>T on transcript NM_015693.4 (MANE Select); coding-DNA position 2212, C replaced by T.
Protein change: p.Arg738Trp; replaces arginine 738 with tryptophan.
Molecular consequence: missense variant.
Genome position (GRCh38, 1-based): chr4:127,706,910, C>T. VCF-style: chr4-127706910-C-T. GRCh37 (hg19) VCF-style: chr4-128628065-C-T.
Other names: short protein forms R738W.
Identifiers: ClinVar variation 2432857 (VCV002432857.6), dbSNP rs774939551, ClinGen allele CA3075270.